The following is an entry in ClinVar:

ClinVar aggregate classification (germline): Uncertain significance (1 of 4 stars; one submission).

Conditions:
Neurofibromatosis, type 1 (NF1). Also called: Peripheral type neurofibromatosis; VON RECKLINGHAUSEN DISEASE; Neurofibromatosis, type I; NEUROFIBROMATOSIS, TYPE I, SOMATIC. Identifiers: Orphanet 636, MedGen C0027831, MONDO:0018975, OMIM 162200. Disease mechanism: loss of function.

Submission:

Labcorp Genetics (formerly Invitae), Labcorp
Classification: Uncertain significance for Neurofibromatosis, type 1. Last evaluated: 2019-08-23. Review status: criteria provided, single submitter. Criteria: Invitae Variant Classification Sherloc (09022015). Collection method: clinical testing. Allele origin: germline.
Comment: Algorithms developed to predict the effect of missense changes on protein structure and function are either unavailable or do not agree on the potential impact of this missense change (SIFT: "Tolerated"; PolyPhen-2: "Not Available"; Align-GVGD: "Class C0"). In summary, the available evidence is currently insufficient to determine the role of this variant in disease. Therefore, it has been classified as a Variant of Uncertain Significance. Algorithms developed to predict the effect of sequence changes on RNA splicing suggest that this variant may create or strengthen a splice site, but this prediction has not been confirmed by published transcriptional studies. This variant has not been reported in the literature in individuals with NF1-related conditions. This variant is not present in population databases (ExAC no frequency). This sequence change replaces serine with arginine at codon 1891 of the NF1 protein (p.Ser1891Arg). The serine residue is moderately conserved and there is a moderate physicochemical difference between serine and arginine.

NM_001042492.3(NF1):c.5733_5734delinsAC (p.Ser1912Arg)

Gene: NF1 (neurofibromin 1; plus strand). Cytogenetic location: 17q11.2.
Variant type: Indel.
Coding change: c.5733_5734delinsAC on transcript NM_001042492.3 (MANE Select); coding-DNA positions 5733 to 5734, TA replaced by AC.
Protein change: p.Ser1912Arg; replaces serine 1912 with arginine.
Molecular consequence: missense variant.
Genome position (GRCh38, 1-based): chr17:31,330,419-31,330,420, TA replaced by AC. VCF-style: chr17-31330419-TA-AC. GRCh37 (hg19) VCF-style: chr17-29657437-TA-AC.
Other names: c.5670_5671delTAinsAC, p.Ser1891Arg (NM_000267.4); short protein forms S1912R, S1891R.
Identifiers: ClinVar variation 937079 (VCV000937079.5), dbSNP rs2069452266, ClinGen allele CA1139665392.